The following is an entry in ClinVar:

ClinVar aggregate classification (germline): Uncertain significance (1 of 4 stars; one submission).

Conditions:
FOXP3-related disorder. Also called: FOXP3-related condition.

Submission:

PreventionGenetics, part of Exact Sciences
Classification: Uncertain significance for FOXP3-related condition. Last evaluated: 2025-09-20. Review status: criteria provided, single submitter. Criteria: ACMG Guidelines, 2015. Collection method: clinical testing. Allele origin: germline.
Comment: The FOXP3 c.160G>A variant is predicted to result in the amino acid substitution p.Ala54Thr. To our knowledge, this variant has not been reported in the literature or in a large population database (gnomAD), indicating this variant is rare. At this time, the clinical significance of this variant is uncertain due to the absence of conclusive functional and genetic evidence.

NM_014009.4(FOXP3):c.160G>A (p.Ala54Thr)

Gene: FOXP3 (forkhead box P3; minus strand). Cytogenetic location: Xp11.23.
Variant type: single nucleotide variant.
Coding change: c.160G>A on transcript NM_014009.4 (MANE Select); coding-DNA position 160, G replaced by A.
Protein change: p.Ala54Thr; replaces alanine 54 with threonine.
Molecular consequence: missense variant.
Genome position (GRCh38, 1-based): chrX:49,258,346, C>T on the plus strand (G>A on the coding strand, the complement: FOXP3 is on the minus strand). VCF-style: chrX-49258346-C-T. GRCh37 (hg19) VCF-style: chrX-49114803-C-T.
Other names: c.160G>A, p.Ala54Thr (NM_001114377.2); short protein forms A54T.
Identifiers: ClinVar variation 4989563 (VCV004989563.1).